The following is an entry in ClinVar:

NM_000069.3(CACNA1S):c.2695C>A (p.Leu899Met)

Gene: CACNA1S (calcium voltage-gated channel subunit alpha1 S; minus strand). Cytogenetic location: 1q32.1.
Variant type: single nucleotide variant.
Coding change: c.2695C>A on transcript NM_000069.3 (MANE Select); coding-DNA position 2695, C replaced by A.
Protein change: p.Leu899Met; replaces leucine 899 with methionine.
Molecular consequence: missense variant.
Genome position (GRCh38, 1-based): chr1:201,066,279, G>T on the plus strand (C>A on the coding strand, the complement: CACNA1S is on the minus strand). VCF-style: chr1-201066279-G-T. GRCh37 (hg19) VCF-style: chr1-201035407-G-T.
Other names: short protein forms L899M.
Identifiers: ClinVar variation 4757955 (VCV004757955.1).

ClinVar aggregate classification (germline): Uncertain significance (1 of 4 stars; one submission).

Conditions:
Malignant hyperthermia, susceptibility to, 5 (MHS5). Also called: CACNA1S-Related Malignant Hyperthermia Susceptibility. Identifiers: Orphanet 423, MedGen C1866077, MONDO:0011163, OMIM 601887.

gnomAD v4.1: 1 of 1,613,182 alleles (0.000062%); no homozygotes.

Submission:

Color Diagnostics, LLC DBA Color Health
Classification: Uncertain significance for Malignant hyperthermia, susceptibility to, 5. Last evaluated: 2025-08-30. Review status: criteria provided, single submitter. Criteria: ACMG Guidelines, 2015. Collection method: clinical testing. Allele origin: germline.
Comment: This missense variant replaces leucine with methionine at codon 899 of the CACNA1S protein. Computational prediction suggests that this variant may have deleterious impact on protein structure and function. To our knowledge, functional studies have not been reported for this variant. This variant has not been reported in individuals affected with CACNA1S-related disorders in the literature. This variant has not been identified in the general population by the Genome Aggregation Database (gnomAD). The available evidence is insufficient to determine the role of this variant in disease conclusively. Therefore, this variant is classified as a Variant of Uncertain Significance.